The following is an entry in ClinVar:

ClinVar aggregate classification (germline): Likely pathogenic (1 of 4 stars; one submission).

Conditions:
Congenital myasthenic syndrome 11. Also called: MYASTHENIC SYNDROME, CONGENITAL, Ie; Myasthenic syndrome, congenital, 11, associated with acetylcholine receptor deficiency. Identifiers: Orphanet 590, MedGen C4225367, MONDO:0014588, OMIM 616326.

Submission:

Kasturba Medical College, Manipal, Kasturba Medical College, Manipal, Manipal Academy of Higher Education, Manipal, India
Classification: Likely pathogenic for Congenital myasthenic syndrome 11. Last evaluated: 2026-06-23. Review status: criteria provided, single submitter. Criteria: ACMG Guidelines, 2015. Collection method: research. Allele origin: paternal. Inheritance: Autosomal recessive inheritance. Affected: yes. Observed: 1 variant allele, 1 heterozygote.
Comment: This variant is not observed in the gnomAD (v4.1.0) population database and in our in-house data of 4287 exomes.

NM_005055.5(RAPSN):c.789+1G>C

Gene: RAPSN (receptor associated protein of the synapse; minus strand). Cytogenetic location: 11p11.2.
Variant type: single nucleotide variant.
Coding change: c.789+1G>C on transcript NM_005055.5 (MANE Select); the canonical splice donor site of the intron after coding-DNA position 789, G replaced by C.
Molecular consequence: splice donor variant.
Genome position (GRCh38, 1-based): chr11:47,441,822, C>G on the plus strand (G>C on the coding strand, the complement: RAPSN is on the minus strand). VCF-style: chr11-47441822-C-G. GRCh37 (hg19) VCF-style: chr11-47463374-C-G.
Other names: c.450+1G>C (NM_001440504.1); c.630+1G>C (NM_001440503.1, NM_001440493.1, NM_001440502.1 and 1 more transcripts); c.789+1G>C (NM_001440501.1, NM_032645.5, NM_001440500.1 and 8 more transcripts).
Identifiers: ClinVar variation 4857621 (VCV004857621.1).